The following is an entry in ClinVar:

NM_000487.6(ARSA):c.*103C>T

Gene: ARSA (arylsulfatase A; minus strand). Cytogenetic location: 22q13.33.
Variant type: single nucleotide variant.
Coding change: c.*103C>T on transcript NM_000487.6 (MANE Select); 103 bases downstream of the stop codon, C replaced by T.
Molecular consequence: 3 prime UTR variant.
Genome position (GRCh38, 1-based): chr22:50,625,042, G>A on the plus strand (C>T on the coding strand, the complement: ARSA is on the minus strand). VCF-style: chr22-50625042-G-A. GRCh37 (hg19) VCF-style: chr22-51063470-G-A.
Other names: c.*103C>T (NM_001085425.3, NM_001085426.3, NM_001085427.3 and 2 more transcripts).
Identifiers: ClinVar variation 342233 (VCV000342233.7), dbSNP rs146160737, ClinGen allele CA10653700.
Genomic context (GRCh38, chr22:50,625,042, plus strand): 5'-GCACCAGCACACAGCATTACCCCAGGATTGGACGAATTGTCACATCTGCAAGTCTCCACT[G>A]GTGTTATTACGTTATCAGGCACAAACCCCCTCCAGACACCTGAGCCTCCCCCACAGGCTC-3'

ClinVar aggregate classification (germline): Uncertain significance. Review status: criteria provided, single submitter (1 of 4 stars). 2 submissions from 2 submitters: Uncertain significance (1). 1 of the submissions does not count toward it. Last evaluated 2018-01-12.

Conditions:
Metachromatic leukodystrophy (MLD). Also called: ARSA DEFICIENCY; CEREBROSIDE SULFATASE DEFICIENCY; METACHROMATIC LEUKOENCEPHALOPATHY; SULFATIDE LIPIDOSIS; Cerebral sclerosis diffuse metachromatic form; Arylsulfatase A Deficiency. Identifiers: Orphanet 512, MedGen C0023522, MONDO:0018868, OMIM 250100.
ARSA-related disorder. Also called: ARSA-related condition.

Allele frequency attached by ClinVar (database versions not stated): 1000 Genomes Project 0.00040; 1000 Genomes Project 30x 0.00047; TOPMed 0.00057; gnomAD 0.00060 and 0.00068; gnomAD exomes 0.00106.
gnomAD v4.1: 1,296 of 1,287,372 alleles (0.1%); highest among the groups gnomAD compares: South Asian, 0.23%; 2 homozygotes.

Submissions (2):

Illumina Laboratory Services, Illumina
Classification: Uncertain significance for Metachromatic leukodystrophy. Last evaluated: 2018-01-12. Review status: criteria provided, single submitter. Criteria: ICSL Variant Classification Criteria 13 December 2019. Collection method: clinical testing. Allele origin: germline.

PreventionGenetics, part of Exact Sciences
Classification: Likely benign for ARSA-related condition. Last evaluated: 2020-11-02. Review status: no assertion criteria provided. Collection method: clinical testing. Allele origin: germline. Not counted in ClinVar's aggregate classification.
Comment: This variant is classified as likely benign based on ACMG/AMP sequence variant interpretation guidelines (Richards et al. 2015 PMID: 25741868, with internal and published modifications).